The following is an entry in ClinVar:

ClinVar aggregate classification (germline): Pathogenic (0 of 4 stars; one submission).

Submission:

Leiden Open Variation Database
Classification: Pathogenic. Last evaluated: 2021-03-07. Review status: no assertion criteria provided. Collection method: curation. Allele origin: germline. Affected: yes.
Comment: Curator: Global Variome, with Curator vacancy. Submitter to LOVD: LOVD.

Literature cited by the submitters: PubMed 28076437.

NM_000322.5(PRPH2):c.382_385dup (p.Thr129fs)

Gene: PRPH2 (peripherin 2; minus strand). Cytogenetic location: 6p21.1.
Variant type: Duplication.
Coding change: c.382_385dup on transcript NM_000322.5 (MANE Select); coding-DNA positions 382 to 385, 4 bases duplicated (AACA; older notation c.382_385dupAACA).
Protein change: p.Thr129fs; shifts the reading frame from threonine 129.
Molecular consequence: frameshift variant.
Genome position (GRCh38, 1-based): chr6:42,721,950-42,721,953, TGTT duplicated on the plus strand (AACA on the coding strand, the reverse complement: PRPH2 is on the minus strand). VCF-style (leftmost placement, unchanged base first): chr6-42721949-G-GTGTT. GRCh37 (hg19) VCF-style: chr6-42689687-G-GTGTT.
Other names: short protein forms T129fs.
Identifiers: ClinVar variation 1175244 (VCV001175244.1), dbSNP rs2152010970, ClinGen allele CA2499218286.